The following is an entry in ClinVar:

ClinVar aggregate classification (germline): Likely benign. Review status: reviewed by expert panel (3 of 4 stars). 11 submissions from 11 submitters: Likely benign (1). 10 of the submissions do not count toward it. Last evaluated 2026-05-26.

Conditions:
ABCA4-related retinopathy. Also called: ABCA4-related retinoapthy; ABCA4 retinoapthy. Identifiers: MedGen CN322612, MONDO:0800406.
ABCA4-related disorder. Also called: ABCA4-related disorders; ABCA4-related condition. Identifiers: MedGen CN239167.
Retinal dystrophy. Also called: Inherited retinal dystrophy. Identifiers: Orphanet 71862, MedGen C0854723, MeSH D058499, MONDO:0019118, HP:0000556.

Allele frequency attached by ClinVar (database versions not stated): ESP Exome Variant Server 0.00015; gnomAD exomes 0.00149 and 0.00457; gnomAD 0.00160 and 0.00220; TOPMed 0.00260; ExAC 0.00412; 1000 Genomes Project 30x 0.00765; 1000 Genomes Project 0.00819.
gnomAD v4.1: 2,599 of 1,614,220 alleles (0.16%); highest among the groups gnomAD compares: East Asian, 4.5%; 55 homozygotes.

Submissions (11):

ClinGen ABCA4 Variant Curation Expert Panel, Clingen
Classification: Likely benign for ABCA4-related retinopathy. Last evaluated: 2026-05-26. Review status: reviewed by expert panel. Criteria: ClinGen ABCA4 ACMG Specifications V1.0.0. Collection method: curation. Allele origin: germline. Inheritance: Autosomal recessive inheritance.
Comment: The NM_000350.3(ABCA4):c.4283C>T variant in ABCA4 is a missense variant predicted to cause substitution of threonine by methionine at amino acid 1428; p.Thr1428Met. The GroupMax filtering allele frequency in gnomAD v4.1.0 is 0.04371, which is greater than the ClinGen ABCA4 VCEP’s threshold for BS1 (>0.0163). The computational predictor REVEL gives a score of 0.25 which is in the range of 0.184-0.290 meeting BP4. In summary, this variant meets the criteria to be classified as likely benign for ABCA4-related retinopathy based on the ACMG/AMP criteria applied, as specified by the ClinGen ABCA4 VCEP (Specification Version 1.0.0): BS1, BP4.

Labcorp Genetics (formerly Invitae), Labcorp
Classification: Benign. Last evaluated: 2026-01-31. Review status: criteria provided, single submitter. Criteria: Invitae Variant Classification Sherloc (09022015). Collection method: clinical testing. Allele origin: germline. Not counted in ClinVar's aggregate classification.

Blueprint Genetics
Classification: Likely benign. Last evaluated: 2024-11-18. Review status: criteria provided, single submitter. Criteria: ACMG Guidelines, 2015. Collection method: clinical testing. Allele origin: germline. Not counted in ClinVar's aggregate classification.

Dept Of Ophthalmology, Nagoya University
Classification: Benign for Retinal dystrophy. Last evaluated: 2023-10-01. Review status: criteria provided, single submitter. Criteria: Submitter's publication. Collection method: research. Allele origin: germline. Affected: yes. Not counted in ClinVar's aggregate classification.

Illumina Laboratory Services, Illumina
Classification: Likely benign for ABCA4-Related Disorders. Last evaluated: 2017-04-27. Review status: criteria provided, single submitter. Criteria: ICSL Variant Classification Criteria 13 December 2019. Collection method: clinical testing. Allele origin: germline. Not counted in ClinVar's aggregate classification.
Comment: This variant was observed as part of a predisposition screen in an ostensibly healthy population. A literature search was performed for the gene, cDNA change, and amino acid change (where applicable). No publications were found based on this search. Allele frequency data from public databases allowed determination this variant is unlikely to cause disease. Therefore, this variant is classified as likely benign.

GeneDx
Classification: Benign. Last evaluated: 2015-03-03. Review status: criteria provided, single submitter. Criteria: GeneDx Variant Classification Process June 2021. Collection method: clinical testing. Allele origin: germline. Affected: yes. Not counted in ClinVar's aggregate classification.
Comment: This variant is associated with the following publications: (PMID: 25087612, 23953153, 20981092, 9295268, 32619608)

Eurofins Ntd Llc (ga)
Classification: Benign. Last evaluated: 2014-06-09. Review status: criteria provided, single submitter. Criteria: EGL Classification Definitions 2015. Collection method: clinical testing. Allele origin: germline. Observed: 1 variant allele, 1 heterozygote. Not counted in ClinVar's aggregate classification.

Institute of Human Genetics, Univ. Regensburg, Univ. Regensburg
Classification: Uncertain significance for Retinal dystrophy. Last evaluated: 2006-01-01. Review status: criteria provided, single submitter. Criteria: ACMG Guidelines, 2015. Collection method: clinical testing. Allele origin: germline. Affected: yes. Not counted in ClinVar's aggregate classification.

Breakthrough Genomics
Classification: Likely benign. Review status: criteria provided, single submitter. Criteria: ACMG Guidelines, 2015. Collection method: not provided. Allele origin: germline. Inheritance: Autosomal recessive inheritance. Affected: yes. Not counted in ClinVar's aggregate classification.

Department of Ophthalmology and Visual Sciences Kyoto University
Classification: Likely benign. Review status: no assertion criteria provided. Collection method: not provided. Allele origin: unknown. Not counted in ClinVar's aggregate classification.
ClinVar note: Converted during submission from probable-non-pathogenic to Likely benign.

Retina International
No classification provided. Review status: no classification provided. Collection method: not provided. Allele origin: not provided. Not counted in ClinVar's aggregate classification.

Literature cited by the submitters: PubMed 9295268 (cited by Institute of Human Genetics, Univ. Regensburg, Univ. Regensburg); PubMed 20981092 (cited by Institute of Human Genetics, Univ. Regensburg, Univ. Regensburg); PubMed 23953153 (cited by Institute of Human Genetics, Univ. Regensburg, Univ. Regensburg); PubMed 25087612 (cited by Institute of Human Genetics, Univ. Regensburg, Univ. Regensburg); PubMed 32619608 (cited by Institute of Human Genetics, Univ. Regensburg, Univ. Regensburg); PubMed 32531858 (cited by Institute of Human Genetics, Univ. Regensburg, Univ. Regensburg); PubMed 33846575 (cited by Institute of Human Genetics, Univ. Regensburg, Univ. Regensburg).

NM_000350.3(ABCA4):c.4283C>T (p.Thr1428Met)

Gene: ABCA4 (ATP binding cassette subfamily A member 4; minus strand). Cytogenetic location: 1p22.1.
Variant type: single nucleotide variant.
Coding change: c.4283C>T on transcript NM_000350.3 (MANE Select); coding-DNA position 4283, C replaced by T.
Protein change: p.Thr1428Met; replaces threonine 1428 with methionine.
Molecular consequence: missense variant.
Genome position (GRCh38, 1-based): chr1:94,030,497, G>A on the plus strand (C>T on the coding strand, the complement: ABCA4 is on the minus strand). VCF-style: chr1-94030497-G-A. GRCh37 (hg19) VCF-style: chr1-94496053-G-A.
Other names: NM_000350.3(ABCA4):c.4283C>T; c.4061C>T, p.Thr1354Met (NM_001425324.1); short protein forms T1428M, T1354M.
Identifiers: ClinVar variation 99271 (VCV000099271.26), dbSNP rs1800549, ClinGen allele CA202170.